The following is an entry in ClinVar:

ClinVar aggregate classification (germline): Uncertain significance. Review status: criteria provided, multiple submitters, no conflicts (2 of 4 stars). 4 submissions from 4 submitters: Uncertain significance (4). Last evaluated 2025-09-22.

Conditions:
Inborn genetic diseases. Identifiers: MedGen C0950123, MeSH D030342.
Polycystic kidney disease, adult type (PKD1). Also called: Polycystic Kidney Disease 1, Autosomal Dominant; Polycystic kidney disease 1; Polycystic kidney disease 1, severe; Polycystic Kidney, Autosomal Dominant; POLYCYSTIC KIDNEY DISEASE 1 WITH OR WITHOUT POLYCYSTIC LIVER DISEASE; POLYCYSTIC KIDNEY DISEASE, ADULT, TYPE I. Identifiers: MedGen C3149841, MONDO:0008263, OMIM 173900.

Allele frequency attached by ClinVar (database versions not stated): TOPMed below 0.00001; gnomAD 0.00003.
gnomAD v4.1: 73 of 1,593,300 alleles (0.0046%); highest among the groups gnomAD compares: Middle Eastern, 0.057%; no homozygotes.

Submissions (4):

Women's Health and Genetics/Laboratory Corporation of America, LabCorp
Classification: Uncertain significance. Last evaluated: 2025-09-22. Review status: criteria provided, single submitter. Criteria: LabCorp Variant Classification Summary - May 2015. Collection method: clinical testing. Allele origin: germline.
Comment: Variant summary: PKD1 c.12878G>A (p.Arg4293Gln) results in a conservative amino acid change in the encoded protein sequence. Algorithms developed to predict the effect of missense changes on protein structure and function all suggest that this variant is likely to be tolerated. The variant allele was found at a frequency of 5.7e-05 in 208840 control chromosomes. This frequency is not significantly higher than estimated for disease-causing variants in PKD1, allowing no conclusion about variant significance. To our knowledge, no occurrence of c.12878G>A in individuals affected with PKD1-related conditions and no experimental evidence demonstrating its impact on protein function have been reported. ClinVar contains an entry for this variant (Variation ID: 1806056). Based on the evidence outlined above, the variant was classified as uncertain significance.

Ambry Genetics
Classification: Uncertain significance for Inborn genetic diseases. Last evaluated: 2024-08-28. Review status: criteria provided, single submitter. Criteria: Ambry Variant Classification Scheme 2023. Collection method: clinical testing. Allele origin: germline.

Department of Pathology and Laboratory Medicine, Sinai Health System
Classification: Uncertain significance for Polycystic kidney disease, adult type. Last evaluated: 2021-07-30. Review status: criteria provided, single submitter. Criteria: ACMG Guidelines, 2015. Collection method: research. Allele origin: germline.

Victorian Clinical Genetics Services, Murdoch Childrens Research Institute
Classification: Uncertain significance for Polycystic kidney disease, adult type. Last evaluated: 2020-05-26. Review status: criteria provided, single submitter. Criteria: ACMG Guidelines, 2015. Collection method: clinical testing. Allele origin: germline. Inheritance: Autosomal dominant inheritance.
Comment: Based on the classification scheme VCGS_Germline_v1.1.1, this variant is classified as 3C-VUS. Following criteria are met: 0102 - Loss-of-function is a known mechanism of disease for this gene. (N) 0107 - This gene is known to be associated with autosomal dominant disease. Predominantly caused by monoallelic variants, with rare reports of bi-allelic variants causing disease. (N) 0200 - Variant is predicted to result in a missense amino acid change from arginine to glutamine (exon 46). (N) 0251 - Variant is heterozygous. (N) 0302 - Variant is present in gnomAD <0.001 for a dominant condition (14 heterozygotes, 0 homozygotes). (P) 0309 - An alternative amino acid change at the same position has been observed in gnomAD (1 heterozygote, 0 homozygotes). (N) 0503 - Missense variant consistently predicted to be tolerated or not conserved in mammals with a minor amino acid change. (B) 0604 - Variant is not located in an established domain, motif, hotspot or informative constraint region. (N) 0705 - No comparable variants have previous evidence for pathogenicity. (N) 0807 - Variant has not previously been reported in a clinical context. (N) 0905 - No segregation evidence has been identified for this variant in the literature. (N) 1007 - No published functional evidence has been identified for this variant. (N) 1208 - Inheritance information for this variant is not currently available. (N) Legend: (P) - Pathogenic, (N) - Neutral, (B) - Benign

NM_001009944.3(PKD1):c.12878G>A (p.Arg4293Gln)

Gene: PKD1 (polycystin 1, transient receptor potential channel interacting; minus strand). Cytogenetic location: 16p13.3.
Variant type: single nucleotide variant.
Coding change: c.12878G>A on transcript NM_001009944.3 (MANE Select); coding-DNA position 12878, G replaced by A.
Protein change: p.Arg4293Gln; replaces arginine 4293 with glutamine.
Molecular consequence: missense variant.
Genome position (GRCh38, 1-based): chr16:2,089,761, C>T on the plus strand (G>A on the coding strand, the complement: PKD1 is on the minus strand). VCF-style: chr16-2089761-C-T. GRCh37 (hg19) VCF-style: chr16-2139762-C-T.
Other names: c.12875G>A, p.Arg4292Gln (NM_000296.4); c.12875G>A (NM_000296.3); short protein forms R4292Q, R4293Q.
Identifiers: ClinVar variation 1806056 (VCV001806056.4), dbSNP rs781282665, ClinGen allele CA7828436.